The following is an entry in ClinVar:

ClinVar aggregate classification (germline): Conflicting classifications of pathogenicity. Review status: criteria provided, conflicting classifications (1 of 4 stars). 4 submissions from 4 submitters: Uncertain significance (1); Benign (1); Likely benign (1). 1 of the submissions does not count toward it. Last evaluated 2026-01-26.

Conditions:
ABCC2-related disorder. Also called: ABCC2-related condition.
Dubin-Johnson syndrome (DJS). Also called: Hyperbilirubinemia type 2; HYPERBILIRUBINEMIA, DUBIN-JOHNSON TYPE; Jaundice, Chronic Idiopathic. Identifiers: Orphanet 234, MedGen C0022350, MONDO:0009380, OMIM 237500.

Allele frequency attached by ClinVar (database versions not stated): gnomAD 0.00010 and 0.00017; TOPMed 0.00018; gnomAD exomes 0.00024 and 0.00037; ExAC 0.00032; 1000 Genomes Project 30x 0.00109; 1000 Genomes Project 0.00120.
gnomAD v4.1: 366 of 1,614,006 alleles (0.023%); highest among the groups gnomAD compares: East Asian, 0.79%; 1 homozygote.

Submissions (4):

Labcorp Genetics (formerly Invitae), Labcorp
Classification: Likely benign. Last evaluated: 2026-01-26. Review status: criteria provided, single submitter. Criteria: Invitae Variant Classification Sherloc (09022015). Collection method: clinical testing. Allele origin: germline.

Eurofins Ntd Llc (ga)
Classification: Uncertain significance. Last evaluated: 2017-05-19. Review status: criteria provided, single submitter. Criteria: EGL Classification Definitions 2015. Collection method: clinical testing. Allele origin: germline. Observed: 2 variant alleles, 2 heterozygotes.

Illumina Laboratory Services, Illumina
Classification: Benign for Dubin-Johnson syndrome. Last evaluated: 2017-04-28. Review status: criteria provided, single submitter. Criteria: ICSL Variant Classification Criteria 13 December 2019. Collection method: clinical testing. Allele origin: germline.
Comment: This variant was observed as part of a predisposition screen in an ostensibly healthy population. A literature search was performed for the gene, cDNA change, and amino acid change (where applicable). Publications were found based on this search. The evidence from the literature, in combination with allele frequency data from public databases where available, was sufficient to rule this variant out of causing disease. Therefore, this variant is classified as benign.

PreventionGenetics, part of Exact Sciences
Classification: Likely benign for ABCC2-related condition. Last evaluated: 2023-07-10. Review status: no assertion criteria provided. Collection method: clinical testing. Allele origin: germline. Not counted in ClinVar's aggregate classification.
Comment: This variant is classified as likely benign based on ACMG/AMP sequence variant interpretation guidelines (Richards et al. 2015 PMID: 25741868, with internal and published modifications).

Literature cited by the submitters: PubMed 18334920 (cited by Illumina Laboratory Services, Illumina); PubMed 21449672 (cited by Illumina Laboratory Services, Illumina); PubMed 18673259 (cited by Illumina Laboratory Services, Illumina); PubMed 16847695 (cited by Illumina Laboratory Services, Illumina); PubMed 22290738 (cited by Illumina Laboratory Services, Illumina); PubMed 23557583 (cited by Illumina Laboratory Services, Illumina); PubMed 27882152 (cited by Illumina Laboratory Services, Illumina).

NM_000392.5(ABCC2):c.1457C>T (p.Thr486Ile)

Gene: ABCC2 (ATP binding cassette subfamily C member 2; plus strand). Cytogenetic location: 10q24.2.
Variant type: single nucleotide variant.
Coding change: c.1457C>T on transcript NM_000392.5 (MANE Select); coding-DNA position 1457, C replaced by T.
Protein change: p.Thr486Ile; replaces threonine 486 with isoleucine.
Molecular consequence: missense variant.
Genome position (GRCh38, 1-based): chr10:99,804,266, C>T. VCF-style: chr10-99804266-C-T. GRCh37 (hg19) VCF-style: chr10-101564023-C-T.
Other names: c.1457C>T (NM_000392.4); c.1457C>T, p.Thr486Ile (LRG_1208t1); short protein forms T486I.
Identifiers: ClinVar variation 502064 (VCV000502064.14), dbSNP rs17222589, ClinGen allele CA5643176.
Genomic context (GRCh38, chr10:99,804,266, plus strand): 5'-GTGTTGGGGTGATGGTGCTTGTAATCCCAATTAATGCGATACTGTCCACCAAGAGTAAGA[C>T]CATTCAGGTAAAGAAAAAGTCACCCAGAAGAATATAAGCTTTCTTTAAAGTGTAAACCCT-3'
Protein context (NP_000383.2, residues 476-496): INAILSTKSK[Thr486Ile]IQVKNMKNKD